The following is an entry in ClinVar:

ClinVar aggregate classification (germline): Pathogenic (1 of 4 stars; one submission).

Conditions:
Hereditary insensitivity to pain with anhidrosis (CIPA). Also called: FAMILIAL DYSAUTONOMIA, TYPE II; NEUROPATHY, CONGENITAL SENSORY, WITH ANHIDROSIS; HSAN Type IV; NTRK1 Congenital Insensitivity to Pain with Anhidrosis; INSENSITIVITY TO PAIN, CONGENITAL, WITH ANHIDROSIS; hereditary sensory and autonomic neuropathy type 4. Identifiers: Orphanet 642, MedGen C0020074, MONDO:0009746, OMIM 256800.

Submission:

Labcorp Genetics (formerly Invitae), Labcorp
Classification: Pathogenic for Hereditary insensitivity to pain with anhidrosis. Last evaluated: 2022-04-09. Review status: criteria provided, single submitter. Criteria: Invitae Variant Classification Sherloc (09022015). Collection method: clinical testing. Allele origin: germline.
Comment: This sequence change creates a premature translational stop signal (p.Thr681Profs*18) in the NTRK1 gene. It is expected to result in an absent or disrupted protein product. Loss-of-function variants in NTRK1 are known to be pathogenic (PMID: 10982191). This variant is not present in population databases (gnomAD no frequency). This variant has not been reported in the literature in individuals affected with NTRK1-related conditions. ClinVar contains an entry for this variant (Variation ID: 835302). For these reasons, this variant has been classified as Pathogenic.

Literature cited by the submitters: PubMed 10982191.

NM_002529.4(NTRK1):c.2055_2058dup (p.Thr687fs)

Gene: NTRK1 (neurotrophic receptor tyrosine kinase 1; plus strand). Cytogenetic location: 1q23.1.
Variant type: Duplication.
Coding change: c.2055_2058dup on transcript NM_002529.4 (MANE Select); coding-DNA positions 2055 to 2058, 4 bases duplicated (CCGC; older notation c.2055_2058dupCCGC).
Protein change: p.Thr687fs; shifts the reading frame from threonine 687.
Molecular consequence: frameshift variant.
Genome position (GRCh38, 1-based): chr1:156,880,007-156,880,010, CCGC duplicated. VCF-style (leftmost placement, unchanged base first): chr1-156880006-G-GCCGC. GRCh37 (hg19) VCF-style: chr1-156849798-G-GCCGC.
Other names: c.1947_1950dup, p.Thr651fs (NM_001007792.1); c.2037_2040dup, p.Thr681fs (NM_001012331.2); short protein forms T681fs, T651fs, T687fs.
Identifiers: ClinVar variation 835302 (VCV000835302.9), dbSNP rs1648159596, ClinGen allele CA916080241.